The following is an entry in ClinVar:

ClinVar aggregate classification (germline): Benign (0 of 4 stars; one submission).

Conditions:
GLDN-related disorder. Also called: GLDN-related condition.

Allele frequency attached by ClinVar (database versions not stated): 1000 Genomes Project 0.00759; 1000 Genomes Project 30x 0.00765; TOPMed 0.01490; gnomAD 0.01639; ExAC 0.01825; ESP Exome Variant Server 0.01896.
gnomAD v4.1: 38,368 of 1,613,898 alleles (2.4%); highest among the groups gnomAD compares: Non-Finnish European, 2.9%; 562 homozygotes.

Submission:

PreventionGenetics, part of Exact Sciences
Classification: Benign for GLDN-related condition. Last evaluated: 2019-05-07. Review status: no assertion criteria provided. Collection method: clinical testing. Allele origin: germline.
Comment: This variant is classified as benign based on ACMG/AMP sequence variant interpretation guidelines (Richards et al. 2015 PMID: 25741868, with internal and published modifications).

NM_181789.4(GLDN):c.1051G>A (p.Asp351Asn)

Gene: GLDN (gliomedin; plus strand). Cytogenetic location: 15q21.2.
Variant type: single nucleotide variant.
Coding change: c.1051G>A on transcript NM_181789.4 (MANE Select); coding-DNA position 1051, G replaced by A.
Protein change: p.Asp351Asn; replaces aspartic acid 351 with asparagine.
Molecular consequence: missense variant.
Genome position (GRCh38, 1-based): chr15:51,401,616, G>A. VCF-style: chr15-51401616-G-A. GRCh37 (hg19) VCF-style: chr15-51693813-G-A.
Other names: c.679G>A, p.Asp227Asn (NM_001330297.2); short protein forms D227N, D351N.
Identifiers: ClinVar variation 3037767 (VCV003037767.2), dbSNP rs35223886, ClinGen allele CA7560661.